The following is an entry in ClinVar:

NM_144596.4(TTC8):c.931G>T (p.Ala311Ser)

Gene: TTC8 (tetratricopeptide repeat domain 8; plus strand). Cytogenetic location: 14q31.3.
Variant type: single nucleotide variant.
Coding change: c.931G>T on transcript NM_144596.4 (MANE Select); coding-DNA position 931, G replaced by T.
Protein change: p.Ala311Ser; replaces alanine 311 with serine.
Molecular consequence: missense variant. On other transcripts: non-coding transcript variant (1).
Genome position (GRCh38, 1-based): chr14:88,870,080, G>T. VCF-style: chr14-88870080-G-T. GRCh37 (hg19) VCF-style: chr14-89336424-G-T.
Other names: c.979G>T, p.Ala327Ser (NM_001288781.1); c.337G>T, p.Ala113Ser (NM_001288782.1); c.214G>T, p.Ala72Ser (NM_001288783.1); c.901G>T, p.Ala301Ser (NM_001366535.2, NM_198309.3); c.811G>T, p.Ala271Ser (NM_001366536.2, NM_198310.3); short protein forms A113S, A301S, A327S, A271S, A311S, A72S.
Identifiers: ClinVar variation 4982520 (VCV004982520.1).
Genomic context (GRCh38, chr14:88,870,080, plus strand): 5'-ATTAATAAAATATTGCTCTTCTCTCTTGATGGAGAATAGGAAATGAACAATATGTCATCA[G>T]CAGCAGAATATTACAAAGAAGTTTTGAAACAAGACAATACTCATGTGGAAGCCATCGCAT-3'
Protein context (NP_653197.2, residues 301-321): IYEEMNNMSS[Ala311Ser]AEYYKEVLKQ

ClinVar aggregate classification (germline): Uncertain significance (1 of 4 stars; one submission).

Conditions:
TTC8-related disorder. Also called: TTC8-related condition.

gnomAD v4.1: 6 of 1,613,944 alleles (0.00037%); highest among the groups gnomAD compares: South Asian, 0.0011%; no homozygotes.

Submission:

PreventionGenetics, part of Exact Sciences
Classification: Uncertain significance for TTC8-related condition. Last evaluated: 2025-03-26. Review status: criteria provided, single submitter. Criteria: ACMG Guidelines, 2015. Collection method: clinical testing. Allele origin: germline.
Comment: The TTC8 c.931G>T variant is predicted to result in the amino acid substitution p.Ala311Ser. To our knowledge, this variant has not been reported in the literature. This variant is reported in 0.0033% of alleles in individuals of South Asian descent in gnomAD. At this time, the clinical significance of this variant is uncertain due to the absence of conclusive functional and genetic evidence.